The following is an entry in ClinVar:

ClinVar aggregate classification (germline): Uncertain significance (1 of 4 stars; one submission).

Submission:

Ambry Genetics
Classification: Uncertain significance. Last evaluated: 2021-06-28. Review status: criteria provided, single submitter. Criteria: Ambry Variant Classification Scheme 2023. Collection method: clinical testing. Allele origin: germline.
Comment: The p.P448S variant (also known as c.1342C>T), located in coding exon 1 of the MLH3 gene, results from a C to T substitution at nucleotide position 1342. The proline at codon 448 is replaced by serine, an amino acid with similar properties. This amino acid position is conserved. In addition, this alteration is predicted to be tolerated by in silico analysis. Since supporting evidence is limited at this time, the clinical significance of this alteration remains unclear.

NM_001040108.2(MLH3):c.1342C>T (p.Pro448Ser)

Gene: MLH3 (mutL homolog 3; minus strand). Cytogenetic location: 14q24.3.
Variant type: single nucleotide variant.
Coding change: c.1342C>T on transcript NM_001040108.2 (MANE Select); coding-DNA position 1342, C replaced by T.
Protein change: p.Pro448Ser; replaces proline 448 with serine.
Molecular consequence: missense variant.
Genome position (GRCh38, 1-based): chr14:75,048,314, G>A on the plus strand (C>T on the coding strand, the complement: MLH3 is on the minus strand). VCF-style: chr14-75048314-G-A. GRCh37 (hg19) VCF-style: chr14-75515017-G-A.
Other names: c.1342C>T, p.Pro448Ser (NM_014381.3); short protein forms P448S.
Identifiers: ClinVar variation 1770393 (VCV001770393.2), dbSNP rs2503298010, ClinGen allele CA390446342.